The following is an entry in ClinVar:

NM_001148.6(ANK2):c.9754G>A (p.Val3252Ile)

Gene: ANK2 (ankyrin 2; plus strand). Cytogenetic location: 4q26.
Variant type: single nucleotide variant.
Coding change: c.9754G>A on transcript NM_001148.6 (MANE Select); coding-DNA position 9754, G replaced by A.
Protein change: p.Val3252Ile; replaces valine 3252 with isoleucine.
Molecular consequence: missense variant. On other transcripts: intron variant (68).
Genome position (GRCh38, 1-based): chr4:113,358,372, G>A. VCF-style: chr4-113358372-G-A. GRCh37 (hg19) VCF-style: chr4-114279528-G-A.
Other names: c.4463-2451G>A (NM_001354232.2); c.4328-2451G>A (NM_001354228.2, NM_001354258.2); c.4265-2451G>A (NM_001354245.2, NM_001354262.2, NM_001354275.2); c.4229-2451G>A (NM_001354268.2); c.4127-2451G>A (NM_001354273.2); c.4427-2451G>A (NM_020977.5); c.4484-2451G>A (NM_001386152.1); c.4505-2451G>A (NM_001354237.2); and 35 more; short protein forms V2052I, V3252I, V3291I, V3174I, V3299I.
Identifiers: ClinVar variation 4751864 (VCV004751864.1).

ClinVar aggregate classification (germline): Uncertain significance (1 of 4 stars; one submission).

Conditions:
Long QT syndrome (LQTS). Identifiers: MedGen C0023976, MeSH D008133, MONDO:0002442. Disease mechanism: loss of function. Inheritance: Various modes of inheritance.

gnomAD v4.1: 3 of 1,613,952 alleles (0.00019%); highest among the groups gnomAD compares: Non-Finnish European, 0.00025%; no homozygotes.

Submission:

Labcorp Genetics (formerly Invitae), Labcorp
Classification: Uncertain significance for Long QT syndrome. Last evaluated: 2025-11-11. Review status: criteria provided, single submitter. Criteria: Invitae Variant Classification Sherloc (09022015). Collection method: clinical testing. Allele origin: germline.
Comment: This sequence change replaces valine, which is neutral and non-polar, with isoleucine, which is neutral and non-polar, at codon 3252 of the ANK2 protein (p.Val3252Ile). This variant is not present in population databases (gnomAD no frequency). This variant has not been reported in the literature in individuals affected with ANK2-related conditions. An algorithm developed to predict the effect of missense changes on protein structure and function (PolyPhen-2) suggests that this variant is likely to be tolerated. In summary, the available evidence is currently insufficient to determine the role of this variant in disease. Therefore, it has been classified as a Variant of Uncertain Significance.